The following is an entry in ClinVar:

ClinVar aggregate classification (germline): Uncertain significance. Review status: criteria provided, multiple submitters, no conflicts (2 of 4 stars). 2 submissions from 2 submitters: Uncertain significance (2). Last evaluated 2026-01-21.

Conditions:
Neurofibromatosis, type 1 (NF1). Also called: VON RECKLINGHAUSEN DISEASE; NEUROFIBROMATOSIS, TYPE I, SOMATIC; Neurofibromatosis, type I; Peripheral type neurofibromatosis. Identifiers: Orphanet 636, MedGen C0027831, MONDO:0018975, OMIM 162200. Disease mechanism: loss of function.
Cardiovascular phenotype. Identifiers: MedGen CN230736.
Hereditary cancer-predisposing syndrome. Also called: Neoplastic Syndromes, Hereditary; Tumor predisposition; Hereditary Cancer Syndrome; Hereditary neoplastic syndrome. Identifiers: Orphanet 140162, MedGen C0027672, MeSH D009386, MONDO:0015356.

Submissions (2):

Labcorp Genetics (formerly Invitae), Labcorp
Classification: Uncertain significance for Neurofibromatosis, type 1. Last evaluated: 2026-01-21. Review status: criteria provided, single submitter. Criteria: Invitae Variant Classification Sherloc (09022015). Collection method: clinical testing. Allele origin: germline.
Comment: This sequence change replaces proline, which is neutral and non-polar, with leucine, which is neutral and non-polar, at codon 1646 of the NF1 protein (p.Pro1646Leu). This variant is not present in population databases (gnomAD no frequency). This variant has not been reported in the literature in individuals affected with NF1-related conditions. ClinVar contains an entry for this variant (Variation ID: 1744236). Invitae Evidence Modeling of protein sequence and biophysical properties (such as structural, functional, and spatial information, amino acid conservation, physicochemical variation, residue mobility, and thermodynamic stability) indicates that this missense variant is expected to disrupt NF1 protein function with a positive predictive value of 95%. In summary, the available evidence is currently insufficient to determine the role of this variant in disease. Therefore, it has been classified as a Variant of Uncertain Significance.

Ambry Genetics
Classification: Uncertain significance for Cardiovascular phenotype; Hereditary cancer-predisposing syndrome. Last evaluated: 2020-08-12. Review status: criteria provided, single submitter. Criteria: Ambry Variant Classification Scheme 2023. Collection method: clinical testing. Allele origin: germline.
Comment: The p.P1646L variant (also known as c.4937C>T), located in coding exon 36 of the NF1 gene, results from a C to T substitution at nucleotide position 4937. The proline at codon 1646 is replaced by leucine, an amino acid with similar properties. This amino acid position is highly conserved in available vertebrate species. In addition, this alteration is predicted to be deleterious by in silico analysis. Since supporting evidence is limited at this time, the clinical significance of this alteration remains unclear.

NM_001042492.3(NF1):c.5000C>T (p.Pro1667Leu)

Gene: NF1 (neurofibromin 1; plus strand). Cytogenetic location: 17q11.2.
Variant type: single nucleotide variant.
Coding change: c.5000C>T on transcript NM_001042492.3 (MANE Select); coding-DNA position 5000, C replaced by T.
Protein change: p.Pro1667Leu; replaces proline 1667 with leucine.
Molecular consequence: missense variant.
Genome position (GRCh38, 1-based): chr17:31,325,984, C>T. VCF-style: chr17-31325984-C-T. GRCh37 (hg19) VCF-style: chr17-29653002-C-T.
Other names: c.4937C>T, p.Pro1646Leu (NM_000267.4); short protein forms P1646L, P1667L.
Identifiers: ClinVar variation 1744236 (VCV001744236.7), dbSNP rs764611240, ClinGen allele CA399007290.